The following is an entry in ClinVar:

NM_015443.4(KANSL1):c.2284C>G (p.Arg762Gly)

Gene: KANSL1 (KAT8 regulatory NSL complex subunit 1). Cytogenetic location: 17q21.31.
Variant type: single nucleotide variant.
Coding change: c.2284C>G on transcript NM_015443.4 (MANE Select); coding-DNA position 2284, C replaced by G.
Protein change: p.Arg762Gly; replaces arginine 762 with glycine.
Molecular consequence: missense variant. On other transcripts: intron variant (8).
Genome position (GRCh38, 1-based): chr17:46,039,135, G>C on the plus strand (C>G on the coding strand, the complement: KANSL1 is on the minus strand). VCF-style: chr17-46039135-G-C. GRCh37 (hg19) VCF-style: chr17-44116501-G-C.
Other names: c.2284C>G, p.Arg762Gly (NM_001193465.2, NM_001193466.2, NM_001379198.1 and 8 more transcripts); c.2182C>G, p.Arg728Gly (NM_001405859.1, NM_001405860.1, NM_001405861.1 and 1 more transcripts); c.1018C>G, p.Arg340Gly (NM_001405882.1, NM_001405883.1); c.938-449C>G (NM_001405885.1, NM_001405884.1); c.2204-449C>G (NM_001405879.1, NM_001405875.1, NM_001405878.1 and 3 more transcripts); short protein forms R728G, R340G, R762G.
Identifiers: ClinVar variation 2783332 (VCV002783332.3), dbSNP rs2146363405, ClinGen allele CA399981176.

ClinVar aggregate classification (germline): Uncertain significance (1 of 4 stars; one submission).

Conditions:
Koolen-de Vries syndrome (KDVS). Identifiers: Orphanet 96169, MedGen C1864871, MONDO:0012496, OMIM 610443.

Submission:

Labcorp Genetics (formerly Invitae), Labcorp
Classification: Uncertain significance for Koolen-de Vries syndrome. Last evaluated: 2023-05-16. Review status: criteria provided, single submitter. Criteria: Invitae Variant Classification Sherloc (09022015). Collection method: clinical testing. Allele origin: germline.
Comment: This sequence change replaces arginine, which is basic and polar, with glycine, which is neutral and non-polar, at codon 762 of the KANSL1 protein (p.Arg762Gly). This variant is not present in population databases (gnomAD no frequency). This variant has not been reported in the literature in individuals affected with KANSL1-related conditions. Advanced modeling of protein sequence and biophysical properties (such as structural, functional, and spatial information, amino acid conservation, physicochemical variation, residue mobility, and thermodynamic stability) performed at Invitae indicates that this missense variant is not expected to disrupt KANSL1 protein function. In summary, the available evidence is currently insufficient to determine the role of this variant in disease. Therefore, it has been classified as a Variant of Uncertain Significance.